The following is an entry in ClinVar:

ClinVar aggregate classification (germline): Conflicting classifications of pathogenicity. Review status: criteria provided, conflicting classifications (1 of 4 stars). 3 submissions from 3 submitters: Uncertain significance (2); Benign (1). Last evaluated 2025-09-09.

Conditions:
Hereditary cancer-predisposing syndrome. Also called: Hereditary neoplastic syndrome; Hereditary Cancer Syndrome; Neoplastic Syndromes, Hereditary; Tumor predisposition. Identifiers: Orphanet 140162, MedGen C0027672, MeSH D009386, MONDO:0015356.
Familial adenomatous polyposis 2. Also called: MYH-associated polyposis; COLORECTAL ADENOMATOUS POLYPOSIS, AUTOSOMAL RECESSIVE; ADENOMAS, MULTIPLE COLORECTAL, AUTOSOMAL RECESSIVE; MUTYH-related attenuated familial adenomatous polyposis; Adenomas, multiple colorectal; FAP type 2. Identifiers: Orphanet 220460, Orphanet 247798, MedGen C3272841, MONDO:0012041, OMIM 608456.

Allele frequency attached by ClinVar (database versions not stated): gnomAD exomes below 0.00001.
gnomAD v4.1: 2 of 1,613,744 alleles (0.00012%); highest among the groups gnomAD compares: Non-Finnish European, 0.00017%; no homozygotes.

Submissions (3):

Ambry Genetics
Classification: Benign for Hereditary cancer-predisposing syndrome. Last evaluated: 2025-09-09. Review status: criteria provided, single submitter. Criteria: Ambry Variant Classification Scheme 2023. Collection method: clinical testing. Allele origin: germline.

Labcorp Genetics (formerly Invitae), Labcorp
Classification: Uncertain significance for Familial adenomatous polyposis 2. Last evaluated: 2025-05-13. Review status: criteria provided, single submitter. Criteria: Invitae Variant Classification Sherloc (09022015). Collection method: clinical testing. Allele origin: germline.
Comment: This sequence change replaces phenylalanine, which is neutral and non-polar, with tyrosine, which is neutral and polar, at codon 358 of the MUTYH protein (p.Phe358Tyr). This variant is not present in population databases (gnomAD no frequency). This variant has not been reported in the literature in individuals affected with MUTYH-related conditions. ClinVar contains an entry for this variant (Variation ID: 479997). An algorithm developed to predict the effect of missense changes on protein structure and function (PolyPhen-2) suggests that this variant is likely to be tolerated. In summary, the available evidence is currently insufficient to determine the role of this variant in disease. Therefore, it has been classified as a Variant of Uncertain Significance.

Institute for Clinical Genetics, University Hospital TU Dresden, University Hospital TU Dresden
Classification: Uncertain significance. Last evaluated: 2021-11-03. Review status: criteria provided, single submitter. Criteria: ACMG Guidelines, 2015. Collection method: clinical testing. Allele origin: germline.

NM_001048174.2(MUTYH):c.989T>A (p.Phe330Tyr)

Gene: MUTYH (mutY DNA glycosylase; minus strand). Cytogenetic location: 1p34.1.
Variant type: single nucleotide variant.
Coding change: c.989T>A on transcript NM_001048174.2 (MANE Select); coding-DNA position 989, T replaced by A.
Protein change: p.Phe330Tyr; replaces phenylalanine 330 with tyrosine.
Molecular consequence: missense variant. On other transcripts: non-coding transcript variant (2).
Genome position (GRCh38, 1-based): chr1:45,331,774, A>T on the plus strand (T>A on the coding strand, the complement: MUTYH is on the minus strand). VCF-style: chr1-45331774-A-T. GRCh37 (hg19) VCF-style: chr1-45797446-A-T.
Other names: c.989T>A, p.Phe330Tyr (NM_001048171.2, NM_001048173.2, NM_001293195.2); c.992T>A, p.Phe331Tyr (NM_001048172.2); c.1073T>A, p.Phe358Tyr (NM_001128425.2); c.1034T>A, p.Phe345Tyr (NM_001293190.2); c.1022T>A, p.Phe341Tyr (NM_001293191.2); c.713T>A, p.Phe238Tyr (NM_001293192.2, NM_001293196.2); c.644T>A, p.Phe215Tyr (NM_001350650.2, NM_001350651.2); c.1064T>A, p.Phe355Tyr (NM_012222.3); short protein forms F358Y, F215Y, F330Y, F331Y, F345Y, F355Y, F238Y, F341Y.
Identifiers: ClinVar variation 479997 (VCV000479997.17), dbSNP rs1553126738, ClinGen allele CA340133674.